The following is an entry in ClinVar:

ClinVar aggregate classification (germline): Uncertain significance. Review status: criteria provided, multiple submitters, no conflicts (2 of 4 stars). 2 submissions from 2 submitters: Uncertain significance (2). Last evaluated 2026-04-07.

Submissions (2):

Women's Health and Genetics/Laboratory Corporation of America, LabCorp
Classification: Uncertain significance. Last evaluated: 2026-04-07. Review status: criteria provided, single submitter. Criteria: LabCorp Variant Classification Summary - May 2015. Collection method: clinical testing. Allele origin: germline.
Comment: Variant summary: SON c.5966G>A (p.Ser1989Asn) results in a conservative amino acid change in the encoded protein sequence. Algorithms developed to predict the effect of missense changes on protein structure and function are either unavailable or do not agree on the potential impact of this missense change. The variant was absent in 221746 control chromosomes. The available data on variant occurrences in the general population are insufficient to allow any conclusion about variant significance. To our knowledge, no occurrence of c.5966G>A in individuals affected with SON-related conditions and no experimental evidence demonstrating its impact on protein function have been reported. ClinVar contains an entry for this variant (Variation ID: 3716067). Based on the evidence outlined above, the variant was classified as uncertain significance.

Labcorp Genetics (formerly Invitae), Labcorp
Classification: Uncertain significance. Last evaluated: 2025-05-22. Review status: criteria provided, single submitter. Criteria: Invitae Variant Classification Sherloc (09022015). Collection method: clinical testing. Allele origin: germline.
Comment: This sequence change replaces serine, which is neutral and polar, with asparagine, which is neutral and polar, at codon 1989 of the SON protein (p.Ser1989Asn). This variant is not present in population databases (gnomAD no frequency). This variant has not been reported in the literature in individuals affected with SON-related conditions. ClinVar contains an entry for this variant (Variation ID: 3716067). Experimental studies and prediction algorithms are not available or were not evaluated, and the functional significance of this variant is currently unknown. In summary, the available evidence is currently insufficient to determine the role of this variant in disease. Therefore, it has been classified as a Variant of Uncertain Significance.

NM_138927.4(SON):c.5966G>A (p.Ser1989Asn)

Gene: SON (SON DNA and RNA binding protein; plus strand). Cytogenetic location: 21q22.11.
Variant type: single nucleotide variant.
Coding change: c.5966G>A on transcript NM_138927.4 (MANE Select); coding-DNA position 5966, G replaced by A.
Protein change: p.Ser1989Asn; replaces serine 1989 with asparagine.
Molecular consequence: missense variant. On other transcripts: non-coding transcript variant (1), intron variant (1).
Genome position (GRCh38, 1-based): chr21:33,555,197, G>A. VCF-style: chr21-33555197-G-A. GRCh37 (hg19) VCF-style: chr21-34927503-G-A.
Other names: c.5966G>A, p.Ser1989Asn (NM_001291411.2, NM_032195.3); c.245-1959G>A (NM_001291412.3); short protein forms S1989N.
Identifiers: ClinVar variation 3716067 (VCV003716067.3).